The following is an entry in ClinVar:

ClinVar aggregate classification (germline): Uncertain significance (1 of 4 stars; one submission).

Allele frequency attached by ClinVar (database versions not stated): gnomAD exomes below 0.00001.
gnomAD v4.1: 1 of 1,613,952 alleles (0.000062%); highest among the groups gnomAD compares: Non-Finnish European, 0.000085%; no homozygotes.

Submission:

GeneDx
Classification: Uncertain significance. Last evaluated: 2022-10-03. Review status: criteria provided, single submitter. Criteria: GeneDx Variant Classification Process June 2021. Collection method: clinical testing. Allele origin: germline. Affected: yes.
Comment: Not observed at significant frequency in large population cohorts (gnomAD); In silico analysis supports that this missense variant has a deleterious effect on protein structure/function; Has not been previously published as pathogenic or benign to our knowledge

NM_014822.4(SEC24D):c.2195A>G (p.Lys732Arg)

Gene: SEC24D (SEC24 homolog D, COPII coat complex component; minus strand). Cytogenetic location: 4q26.
Variant type: single nucleotide variant.
Coding change: c.2195A>G on transcript NM_014822.4 (MANE Select); coding-DNA position 2195, A replaced by G.
Protein change: p.Lys732Arg; replaces lysine 732 with arginine.
Molecular consequence: missense variant.
Genome position (GRCh38, 1-based): chr4:118,740,706, T>C on the plus strand (A>G on the coding strand, the complement: SEC24D is on the minus strand). VCF-style: chr4-118740706-T-C. GRCh37 (hg19) VCF-style: chr4-119661861-T-C.
Other names: c.2198A>G, p.Lys733Arg (NM_001318066.2); short protein forms K732R, K733R.
Identifiers: ClinVar variation 2497895 (VCV002497895.1), dbSNP rs2530075991, ClinGen allele CA358007962.